The following is an entry in ClinVar:

ClinVar aggregate classification (germline): Likely pathogenic (1 of 4 stars; one submission).

Conditions:
Agenesis of the corpus callosum with peripheral neuropathy (ACCPN). Also called: CHARLEVOIX DISEASE; HMSN/ACC; Hereditary Motor and Sensory Neuropathy with Agenesis of the Corpus Callosum; POLYNEUROPATHY, SENSORIMOTOR, WITH OR WITHOUT AGENESIS OF THE CORPUS CALLOSUM. Identifiers: Orphanet 1496, MedGen C0795950, MONDO:0000902, OMIM 218000. Disease mechanism: loss of function.

Submission:

Natera, Inc.
Classification: Likely pathogenic for Andermann syndrome. Last evaluated: 2024-11-19. Review status: criteria provided, single submitter. Criteria: Natera Variant Classification Schema (03/2026). Collection method: clinical testing. Allele origin: germline.
Comment: The c.1990C>T variant in SLC12A6 is a nonsense variant predicted to introduce a stop codon at amino acid 664. This variant is expected to result in nonsense mediated decay, truncation, or a dysfunctional protein product. This variant is rare in the general population with a frequency below the threshold expected for the associated phenotype(s). Given the available evidence, this variant is classified as Likely Pathogenic.

NM_001365088.1(SLC12A6):c.1990C>T (p.Gln664Ter)

Gene: SLC12A6 (solute carrier family 12 member 6; minus strand). Cytogenetic location: 15q14.
Variant type: single nucleotide variant.
Coding change: c.1990C>T on transcript NM_001365088.1 (MANE Select); coding-DNA position 1990, C replaced by T.
Protein change: p.Gln664Ter; replaces glutamine 664 with a stop codon.
Molecular consequence: nonsense.
Genome position (GRCh38, 1-based): chr15:34,244,026, G>A on the plus strand (C>T on the coding strand, the complement: SLC12A6 is on the minus strand). VCF-style: chr15-34244026-G-A. GRCh37 (hg19) VCF-style: chr15-34536227-G-A.
Other names: c.1813C>T, p.Gln605Ter (NM_001042494.2, NM_001042495.2); c.1963C>T, p.Gln655Ter (NM_001042496.2); c.1945C>T, p.Gln649Ter (NM_001042497.2); c.1837C>T, p.Gln613Ter (NM_005135.2); c.1990C>T, p.Gln664Ter (NM_133647.2); short protein forms Q605*, Q613*, Q649*, Q655*, Q664*.
Identifiers: ClinVar variation 4816518 (VCV004816518.1).
Genomic context (GRCh38, chr15:34,244,026, plus strand): 5'-AGACTTACCAATGGTAGTAGCGGAATCGGGGTCTCCAGTTGGGTGTTCGAAGTAATGTTT[G>A]CAAGGCACATGCCAAGTTTACAAAGAGGTAACACATGAGAAAAAACCTGAAGAATAAAGA-3'